The following is an entry in ClinVar:

ClinVar aggregate classification (germline): Uncertain significance (1 of 4 stars; one submission).

Submission:

GeneDx
Classification: Uncertain significance. Last evaluated: 2024-12-06. Review status: criteria provided, single submitter. Criteria: GeneDx Variant Classification Process June 2021. Collection method: clinical testing. Allele origin: germline. Affected: yes.
Comment: Not observed at significant frequency in large population cohorts (gnomAD); In silico analysis supports that this missense variant has a deleterious effect on protein structure/function; Has not been previously published as pathogenic or benign to our knowledge

NM_004999.4(MYO6):c.460G>A (p.Gly154Arg)

Gene: MYO6 (myosin VI; plus strand). Cytogenetic location: 6q14.1.
Variant type: single nucleotide variant.
Coding change: c.460G>A on transcript NM_004999.4 (MANE Select); coding-DNA position 460, G replaced by A.
Protein change: p.Gly154Arg; replaces glycine 154 with arginine.
Molecular consequence: missense variant. On other transcripts: non-coding transcript variant (2).
Genome position (GRCh38, 1-based): chr6:75,832,910, G>A. VCF-style: chr6-75832910-G-A. GRCh37 (hg19) VCF-style: chr6-76542627-G-A.
Other names: c.460G>A, p.Gly154Arg (NM_001300899.2, NM_001368136.1, NM_001368137.1 and 5 more transcripts); short protein forms G154R.
Identifiers: ClinVar variation 3901789 (VCV003901789.1).